The following is an entry in ClinVar:

ClinVar aggregate classification (germline): Uncertain significance (1 of 4 stars; one submission).

Conditions:
Early-infantile DEE. Also called: Early infantile epileptic encephalopathy; Ohtahara syndrome; Early infantile epileptic encephalopathy with suppression bursts. Identifiers: Orphanet 1934, MedGen C0393706, MONDO:0800491.

Allele frequency attached by ClinVar (database versions not stated): gnomAD exomes 0.00001; gnomAD 0.00002; TOPMed 0.00003.
gnomAD v4.1: 17 of 1,613,754 alleles (0.0011%); highest among the groups gnomAD compares: African/African-American, 0.0094%; no homozygotes.

Submission:

Labcorp Genetics (formerly Invitae), Labcorp
Classification: Uncertain significance for Early-infantile DEE. Last evaluated: 2025-12-21. Review status: criteria provided, single submitter. Criteria: Invitae Variant Classification Sherloc (09022015). Collection method: clinical testing. Allele origin: germline.
Comment: This sequence change replaces alanine, which is neutral and non-polar, with valine, which is neutral and non-polar, at codon 1884 of the SCN1A protein (p.Ala1884Val). This variant is present in population databases (no rsID available, gnomAD 0.01%). This variant has not been reported in the literature in individuals affected with SCN1A-related conditions. ClinVar contains an entry for this variant (Variation ID: 662171). Invitae Evidence Modeling of protein sequence and biophysical properties (such as structural, functional, and spatial information, amino acid conservation, physicochemical variation, residue mobility, and thermodynamic stability) has been performed for this missense variant. However, the output from this modeling did not meet the statistical confidence thresholds required to predict the impact of this variant on SCN1A protein function. In summary, the available evidence is currently insufficient to determine the role of this variant in disease. Therefore, it has been classified as a Variant of Uncertain Significance.

NM_001165963.4(SCN1A):c.5651C>T (p.Ala1884Val)

Genes: SCN1A (sodium voltage-gated channel alpha subunit 1; minus strand), LOC102724058 (uncharacterized LOC102724058; plus strand). Cytogenetic location: 2q24.3.
Variant type: single nucleotide variant.
Coding change: c.5651C>T on transcript NM_001165963.4 (MANE Select); coding-DNA position 5651, C replaced by T.
Protein change: p.Ala1884Val; replaces alanine 1884 with valine.
Molecular consequence: missense variant. On other transcripts: non-coding transcript variant (1).
Genome position (GRCh38, 1-based): chr2:165,991,624, G>A on the plus strand (C>T on the coding strand, the complement: SCN1A is on the minus strand). VCF-style: chr2-165991624-G-A. GRCh37 (hg19) VCF-style: chr2-166848134-G-A.
Other names: c.5567C>T, p.Ala1856Val (NM_001165964.3, NM_001353957.2, NM_001353958.2); c.5651C>T, p.Ala1884Val (NM_001202435.3, NM_001353948.2); c.5618C>T, p.Ala1873Val (NM_001353949.2, NM_001353950.2, NM_001353951.2 and 2 more transcripts); c.5615C>T, p.Ala1872Val (NM_001353954.2, NM_001353955.2); c.5564C>T, p.Ala1855Val (NM_001353960.2); c.3209C>T, p.Ala1070Val (NM_001353961.2); short protein forms A1070V, A1884V, A1855V, A1856V, A1872V, A1873V.
Identifiers: ClinVar variation 662171 (VCV000662171.11), dbSNP rs1188972480, ClinGen allele CA349064978.
Genomic context (GRCh38, chr2:165,991,624, plus strand): 5'-TGATAGGAGACCTTGGAAGGATTGGAAGCCATGAATCGCTCTTCCATCTGTATTCGTAGA[G>A]CATCCATCTCTCCACTCTCTCCTAGAACCCGCTTTGTAAAAGCAAATAAGATATCAAGAC-3'
Protein context (NP_001159435.1, residues 1874-1894): RVLGESGEMD[Ala1884Val]LRIQMEERFM